The following is an entry in ClinVar:

ClinVar aggregate classification (germline): Likely benign (1 of 4 stars; one submission).

Allele frequency attached by ClinVar (database versions not stated): 1000 Genomes Project 30x 0.00016; 1000 Genomes Project 0.00020; ESP Exome Variant Server 0.00022; ExAC 0.00040.
gnomAD v4.1: 315 of 1,552,194 alleles (0.02%); highest among the groups gnomAD compares: African/African-American, 0.075%; no homozygotes.

Submission:

CeGaT Center for Human Genetics Tuebingen
Classification: Likely benign. Last evaluated: 2022-03-01. Review status: criteria provided, single submitter. Criteria: CeGaT Center For Human Genetics Tuebingen Variant Classification Criteria Version 2. Collection method: clinical testing. Allele origin: germline. Affected: yes. Observed: 1 variant allele.
Comment: FAM184B: BP4

NM_015688.2(FAM184B):c.1073G>C (p.Arg358Pro)

Gene: FAM184B (family with sequence similarity 184 member B; minus strand). Cytogenetic location: 4p15.31.
Variant type: single nucleotide variant.
Coding change: c.1073G>C on transcript NM_015688.2 (MANE Select); coding-DNA position 1073, G replaced by C.
Protein change: p.Arg358Pro; replaces arginine 358 with proline.
Molecular consequence: missense variant.
Genome position (GRCh38, 1-based): chr4:17,705,849, C>G on the plus strand (G>C on the coding strand, the complement: FAM184B is on the minus strand). VCF-style: chr4-17705849-C-G. GRCh37 (hg19) VCF-style: chr4-17707472-C-G.
Other names: short protein forms R358P.
Identifiers: ClinVar variation 2654688 (VCV002654688.24), dbSNP rs192178401, ClinGen allele CA2869631.